The following is an entry in ClinVar:

ClinVar aggregate classification (germline): Uncertain significance (1 of 4 stars; one submission).

Conditions:
SHANK3-related Autism Spectrum Disorder.

Submission:

Dasa
Classification: Uncertain significance for SHANK3-related Autism Spectrum Disorder. Last evaluated: 2025-12-05. Review status: criteria provided, single submitter. Criteria: DASA Assertion Criteria. Collection method: clinical testing. Allele origin: germline.
Comment: NM_001372044.2(SHANK3):c.605G>A (p.Ser202Asn) is a missense variant that results in the substitution of serine with asparagine. This variant is rare in population databases. Computational prediction algorithms are consistent with a benign effect. The currently available literature and clinical evidence are not sufficient to establish a definitive association between this variant and the reported condition. Therefore, this variant is classified as a variant of uncertain significance.

NM_001372044.2(SHANK3):c.605G>A (p.Ser202Asn)

Gene: SHANK3 (SH3 and multiple ankyrin repeat domains 3; plus strand). Cytogenetic location: 22q13.33.
Variant type: single nucleotide variant.
Coding change: c.605G>A on transcript NM_001372044.2 (MANE Select); coding-DNA position 605, G replaced by A.
Protein change: p.Ser202Asn; replaces serine 202 with asparagine.
Molecular consequence: missense variant.
Genome position (GRCh38, 1-based): chr22:50,678,625, G>A. VCF-style: chr22-50678625-G-A. GRCh37 (hg19) VCF-style: chr22-51117053-G-A.
Other names: short protein forms S202N.
Identifiers: ClinVar variation 4883833 (VCV004883833.2).